The following is an entry in ClinVar:

NM_014694.4(ADAMTSL2):c.310-10C>T

Gene: ADAMTSL2 (ADAMTS like 2; plus strand). Cytogenetic location: 9q34.2.
Variant type: single nucleotide variant.
Coding change: c.310-10C>T on transcript NM_014694.4 (MANE Select); 10 bases into the intron before coding-DNA position 310, C replaced by T.
Molecular consequence: intron variant.
Genome position (GRCh38, 1-based): chr9:133,539,761, C>T. VCF-style: chr9-133539761-C-T. GRCh37 (hg19) VCF-style: chr9-136404883-C-T.
Other names: c.310-10C>T (NM_001145320.2).
Identifiers: ClinVar variation 976588 (VCV000976588.4), dbSNP rs571169702, ClinGen allele CA200958850.

ClinVar aggregate classification (germline): Likely benign (1 of 4 stars; one submission).

Conditions:
Geleophysic dysplasia 1 (GPHYSD1). Also called: Geleophysic dwarfism. Identifiers: Orphanet 2623, MedGen C3278147, MONDO:0009269, OMIM 231050.

Allele frequency attached by ClinVar (database versions not stated): gnomAD exomes 0.00005; TOPMed 0.00014; 1000 Genomes Project 0.00040; 1000 Genomes Project 30x 0.00047.
gnomAD v4.1: 91 of 1,363,050 alleles (0.0067%); highest among the groups gnomAD compares: African/African-American, 0.024%; no homozygotes.

Submission:

Illumina Laboratory Services, Illumina
Classification: Likely benign for Geleophysic dysplasia 1. Last evaluated: 2018-01-13. Review status: criteria provided, single submitter. Criteria: ICSL Variant Classification Criteria 13 December 2019. Collection method: clinical testing. Allele origin: germline.
Comment: This variant was observed in the ICSL laboratory as part of a predisposition screen in an ostensibly healthy population. It had not been previously curated by ICSL or reported in the Human Gene Mutation Database (HGMD: prior to June 1st, 2018), and was therefore a candidate for classification through an automated scoring system. Utilizing variant allele frequency, disease prevalence and penetrance estimates, and inheritance mode, an automated score was calculated to assess if this variant is too frequent to cause the disease. Based on the score and internal cut-off values, a variant classified as likely benign is not then subjected to further curation. The score for this variant resulted in a classification of likely benign for this disease.